The following is an entry in ClinVar:

ClinVar aggregate classification (germline): Uncertain significance (1 of 4 stars; one submission).

Allele frequency attached by ClinVar (database versions not stated): gnomAD exomes below 0.00001.
gnomAD v4.1: 1 of 1,613,626 alleles (0.000062%); no homozygotes.

Submission:

Labcorp Genetics (formerly Invitae), Labcorp
Classification: Uncertain significance. Last evaluated: 2021-10-04. Review status: criteria provided, single submitter. Criteria: Invitae Variant Classification Sherloc (09022015). Collection method: clinical testing. Allele origin: germline.
Comment: This sequence change replaces proline with leucine at codon 570 of the PLOD3 protein (p.Pro570Leu). The proline residue is highly conserved and there is a moderate physicochemical difference between proline and leucine. This variant is not present in population databases (ExAC no frequency). This variant has not been reported in the literature in individuals affected with PLOD3-related conditions. Algorithms developed to predict the effect of missense changes on protein structure and function are either unavailable or do not agree on the potential impact of this missense change (SIFT: "Deleterious"; PolyPhen-2: "Probably Damaging"; Align-GVGD: "Class C0"). In summary, the available evidence is currently insufficient to determine the role of this variant in disease. Therefore, it has been classified as a Variant of Uncertain Significance.

NM_001084.5(PLOD3):c.1709C>T (p.Pro570Leu)

Gene: PLOD3 (procollagen-lysine,2-oxoglutarate 5-dioxygenase 3; minus strand). Cytogenetic location: 7q22.1.
Variant type: single nucleotide variant.
Coding change: c.1709C>T on transcript NM_001084.5 (MANE Select); coding-DNA position 1709, C replaced by T.
Protein change: p.Pro570Leu; replaces proline 570 with leucine.
Molecular consequence: missense variant.
Genome position (GRCh38, 1-based): chr7:101,208,932, G>A on the plus strand (C>T on the coding strand, the complement: PLOD3 is on the minus strand). VCF-style: chr7-101208932-G-A. GRCh37 (hg19) VCF-style: chr7-100852213-G-A.
Other names: short protein forms P570L.
Identifiers: ClinVar variation 1489221 (VCV001489221.6), dbSNP rs2116797461, ClinGen allele CA368612645.
Genomic context (GRCh38, chr7:101,208,932, plus strand): 5'-CACTGGCCGTAGTGCTCCATCTCTGCCACCAGCTCATCACACATTTGTTCTGACAGCAGT[G>A]GGAACCAGTACACGTCCGGGCATGGCTGAGGATGGGGCGAGGGAGAACAGGGCTAGCTGA-3'
Protein context (NP_001075.1, residues 560-580): EQPCPDVYWF[Pro570Leu]LLSEQMCDEL